The following is an entry in ClinVar:

NM_001378454.1(ALMS1):c.8203G>A (p.Gly2735Ser)

Gene: ALMS1 (ALMS1 centrosome and basal body associated protein; plus strand). Cytogenetic location: 2p13.1.
Variant type: single nucleotide variant.
Coding change: c.8203G>A on transcript NM_001378454.1 (MANE Select); coding-DNA position 8203, G replaced by A.
Protein change: p.Gly2735Ser; replaces glycine 2735 with serine.
Molecular consequence: missense variant.
Genome position (GRCh38, 1-based): chr2:73,490,162, G>A. VCF-style: chr2-73490162-G-A. GRCh37 (hg19) VCF-style: chr2-73717289-G-A.
Other names: c.8206G>A, p.Gly2736Ser (NM_015120.4); short protein forms G2736S, G2735S.
Identifiers: ClinVar variation 1346640 (VCV001346640.7), dbSNP rs761136859, ClinGen allele CA1714424.
Genomic context (GRCh38, chr2:73,490,162, plus strand): 5'-ATCACTTTTTCATCTCACCGACATTCTAAATGCATTTCCAATTCCTCTGTTGTTAAGGTT[G>A]GTGTTACTGAAGGTAGCCAGTGTACTGGAGCATCTGTGGGGGTATTTAATTCTCATTTCA-3'
Protein context (NP_001365383.1, residues 2725-2745): CISNSSVVKV[Gly2735Ser]VTEGSQCTGA

ClinVar aggregate classification (germline): Uncertain significance. Review status: criteria provided, multiple submitters, no conflicts (2 of 4 stars). 3 submissions from 3 submitters: Uncertain significance (3). Last evaluated 2025-05-06.

Conditions:
Cardiovascular phenotype. Identifiers: MedGen CN230736.
Alstrom syndrome (ALMS). Identifiers: Orphanet 64, MedGen C0268425, MONDO:0008763, OMIM 203800.

Allele frequency attached by ClinVar (database versions not stated): gnomAD exomes 0.00001 and 0.00002; ExAC 0.00002; TOPMed 0.00002; gnomAD 0.00003.
gnomAD v4.1: 25 of 1,613,980 alleles (0.0015%); highest among the groups gnomAD compares: Non-Finnish European, 0.002%; no homozygotes.

Submissions (3):

Ambry Genetics
Classification: Uncertain significance for Cardiovascular phenotype. Last evaluated: 2025-05-06. Review status: criteria provided, single submitter. Criteria: Ambry Variant Classification Scheme 2023. Collection method: clinical testing. Allele origin: germline.
Comment: The p.G2736S variant (also known as c.8206G>A), located in coding exon 10 of the ALMS1 gene, results from a G to A substitution at nucleotide position 8206. The glycine at codon 2736 is replaced by serine, an amino acid with similar properties. This amino acid position is well conserved in available vertebrate species. In addition, the in silico prediction for this alteration is inconclusive. Based on the available evidence, the clinical significance of this variant remains unclear.

Labcorp Genetics (formerly Invitae), Labcorp
Classification: Uncertain significance for Alstrom syndrome. Last evaluated: 2022-04-01. Review status: criteria provided, single submitter. Criteria: Invitae Variant Classification Sherloc (09022015). Collection method: clinical testing. Allele origin: germline.
Comment: This sequence change replaces glycine, which is neutral and non-polar, with serine, which is neutral and polar, at codon 2736 of the ALMS1 protein (p.Gly2736Ser). This variant is present in population databases (rs761136859, gnomAD 0.004%). This variant has not been reported in the literature in individuals affected with ALMS1-related conditions. In summary, the available evidence is currently insufficient to determine the role of this variant in disease. Therefore, it has been classified as a Variant of Uncertain Significance.

Fulgent Genetics
Classification: Uncertain significance for Alstrom syndrome. Last evaluated: 2021-08-30. Review status: criteria provided, single submitter. Criteria: ACMG Guidelines, 2015. Collection method: clinical testing. Allele origin: unknown.